The following is an entry in ClinVar:

NM_000135.4(FANCA):c.3754G>C (p.Glu1252Gln)

Gene: FANCA (FA complementation group A; minus strand). Cytogenetic location: 16q24.3.
Variant type: single nucleotide variant.
Coding change: c.3754G>C on transcript NM_000135.4 (MANE Select); coding-DNA position 3754, G replaced by C.
Protein change: p.Glu1252Gln; replaces glutamic acid 1252 with glutamine.
Molecular consequence: missense variant.
Genome position (GRCh38, 1-based): chr16:89,742,811, C>G on the plus strand (G>C on the coding strand, the complement: FANCA is on the minus strand). VCF-style: chr16-89742811-C-G. GRCh37 (hg19) VCF-style: chr16-89809219-C-G.
Other names: c.3754G>C, p.Glu1252Gln (NM_001286167.3); short protein forms E1252Q.
Identifiers: ClinVar variation 971572 (VCV000971572.10), dbSNP rs766875357, ClinGen allele CA397485296.

ClinVar aggregate classification (germline): Conflicting classifications of pathogenicity. Review status: criteria provided, conflicting classifications (1 of 4 stars). 2 submissions from 2 submitters: Uncertain significance (1); Likely benign (1). Last evaluated 2025-01-10.

Conditions:
Inborn genetic diseases. Identifiers: MedGen C0950123, MeSH D030342.
Fanconi anemia (FA). Also called: Fanconi's anemia. Identifiers: Orphanet 84, MedGen C0015625, MeSH D005199, MONDO:0019391.

Allele frequency attached by ClinVar (database versions not stated): gnomAD 0.00001.
gnomAD v4.1: 1 of 1,614,026 alleles (0.000062%); highest among the groups gnomAD compares: African/African-American, 0.0013%; no homozygotes.

Submissions (2):

Ambry Genetics
Classification: Likely benign for Inborn genetic diseases. Last evaluated: 2025-01-10. Review status: criteria provided, single submitter. Criteria: Ambry Variant Classification Scheme 2023. Collection method: clinical testing. Allele origin: germline.

Labcorp Genetics (formerly Invitae), Labcorp
Classification: Uncertain significance for Fanconi anemia. Last evaluated: 2024-04-29. Review status: criteria provided, single submitter. Criteria: Invitae Variant Classification Sherloc (09022015). Collection method: clinical testing. Allele origin: germline.
Comment: This sequence change replaces glutamic acid, which is acidic and polar, with glutamine, which is neutral and polar, at codon 1252 of the FANCA protein (p.Glu1252Gln). This variant is not present in population databases (gnomAD no frequency). This variant has not been reported in the literature in individuals affected with FANCA-related conditions. ClinVar contains an entry for this variant (Variation ID: 971572). Advanced modeling of protein sequence and biophysical properties (such as structural, functional, and spatial information, amino acid conservation, physicochemical variation, residue mobility, and thermodynamic stability) performed at Invitae indicates that this missense variant is not expected to disrupt FANCA protein function with a negative predictive value of 80%. In summary, the available evidence is currently insufficient to determine the role of this variant in disease. Therefore, it has been classified as a Variant of Uncertain Significance.